The following is an entry in ClinVar:

NC_000006.12:g.(?_76007480)_(76007600_?)del

Gene: IMPG1 (interphotoreceptor matrix proteoglycan 1; minus strand). Cytogenetic location: 6q14.1.
Variant type: Deletion.
Identifiers: ClinVar variation 830409 (VCV000830409.6).

ClinVar aggregate classification (germline): Uncertain significance (1 of 4 stars; one submission).

Submission:

Labcorp Genetics (formerly Invitae), Labcorp
Classification: Uncertain significance. Last evaluated: 2023-10-13. Review status: criteria provided, single submitter. Criteria: Invitae Variant Classification Sherloc (09022015). Collection method: clinical testing. Allele origin: germline.
Comment: This variant is a gross deletion of the genomic region encompassing exon(s) 9 of the IMPG1 gene. This variant would be expected to be in-frame, preserving the integrity of the reading frame. This variant has not been reported in the literature in individuals affected with IMPG1-related conditions. Experimental studies and prediction algorithms are not available or were not evaluated, and the functional significance of this variant is currently unknown. In summary, the available evidence is currently insufficient to determine the role of this variant in disease. Therefore, it has been classified as a Variant of Uncertain Significance.